The following is an entry in ClinVar:

ClinVar aggregate classification (germline): Benign/Likely benign. Review status: criteria provided, multiple submitters, no conflicts (2 of 4 stars). 3 submissions from 3 submitters: Benign (1); Likely benign (2). Last evaluated 2026-02-02.

Conditions:
Tuberous sclerosis 2 (TSC2). Identifiers: Orphanet 805, MedGen C1860707, MONDO:0013199, OMIM 613254.

Submissions (3):

Labcorp Genetics (formerly Invitae), Labcorp
Classification: Likely benign for Tuberous sclerosis 2. Last evaluated: 2026-02-02. Review status: criteria provided, single submitter. Criteria: Invitae Variant Classification Sherloc (09022015). Collection method: clinical testing. Allele origin: germline.

Genome-Nilou Lab
Classification: Benign for Tuberous sclerosis 2. Last evaluated: 2021-11-07. Review status: criteria provided, single submitter. Criteria: ACMG Guidelines, 2015. Collection method: clinical testing. Allele origin: germline. Affected: no.

GeneDx
Classification: Likely benign. Last evaluated: 2021-07-28. Review status: criteria provided, single submitter. Criteria: GeneDx Variant Classification Process June 2021. Collection method: clinical testing. Allele origin: germline. Affected: yes.
Comment: This variant is associated with the following publications: (PMID: 26703369, 21624971, 24728327)

NM_000548.5(TSC2):c.3846_3854del (p.Ser1282_Gly1285delinsArg)

Gene: TSC2 (TSC complex subunit 2; plus strand). Cytogenetic location: 16p13.3.
Variant type: Deletion.
Coding change: c.3846_3854del on transcript NM_000548.5 (MANE Select); coding-DNA positions 3846 to 3854, 9 bases deleted (CTGCCAAGG; older notation c.3846_3854delCTGCCAAGG).
Protein change: p.Ser1282_Gly1285delinsArg.
Molecular consequence: inframe indel. On other transcripts: intron variant (6).
Genome position (GRCh38, 1-based): chr16:2,082,467-2,082,475, CTGCCAAGG deleted; deleting any 9 consecutive bases within chr16:2,082,466-2,082,475 gives the same sequence; the c. name uses the placement nearest the transcript's 3' end. VCF-style (leftmost placement, unchanged base first): chr16-2082465-AGCTGCCAAG-A. GRCh37 (hg19) VCF-style: chr16-2132466-AGCTGCCAAG-A.
Other names: c.3846_3854del (NM_000548.3); c.3114_3122del, p.Ser1038_Gly1041delinsArg (NM_001318831.2); c.3714_3722del, p.Ser1238_Gly1241delinsArg (NM_001370404.1); c.3717_3725del, p.Ser1239_Gly1242delinsArg (NM_001370405.1, NM_021055.3); c.3814+669_3814+677del (NM_001114382.3); c.3685+669_3685+677del (NM_001363528.2); c.3682+669_3682+677del (NM_001077183.3); c.3574+669_3574+677del (NM_001318827.2); and 2 more.
Identifiers: ClinVar variation 413741 (VCV000413741.16), dbSNP rs997331401, ClinGen allele CA16614784.
Genomic context (GRCh38, chr16:2,082,465, plus strand): 5'-TGACGTGGCCGCACACGGCCTTCCCTTGCAGTGGCCTCTTTCTCCTCCCTGTACCAGTCC[AGCTGCCAAG>A]GACAGCTGCACAGGAGCGTTTCCTGGGCAGGTATCGCCTCTCAGAGGGAAGCGGTTGGCT-3'